The following is an entry in ClinVar:

NM_003489.4(NRIP1):c.860C>T (p.Thr287Met)

Gene: NRIP1 (nuclear receptor interacting protein 1; minus strand). Cytogenetic location: 21q11.2.
Variant type: single nucleotide variant.
Coding change: c.860C>T on transcript NM_003489.4 (MANE Select); coding-DNA position 860, C replaced by T.
Protein change: p.Thr287Met; replaces threonine 287 with methionine.
Molecular consequence: missense variant.
Genome position (GRCh38, 1-based): chr21:14,967,333, G>A on the plus strand (C>T on the coding strand, the complement: NRIP1 is on the minus strand). VCF-style: chr21-14967333-G-A. GRCh37 (hg19) VCF-style: chr21-16339654-G-A.
Other names: short protein forms T287M.
Identifiers: ClinVar variation 2226213 (VCV002226213.5), dbSNP rs150993445, ClinGen allele CA9981432.

ClinVar aggregate classification (germline): Uncertain significance. Review status: criteria provided, multiple submitters, no conflicts (2 of 4 stars). 3 submissions from 3 submitters: Uncertain significance (3). Last evaluated 2025-09-30.

Conditions:
Inborn genetic diseases. Identifiers: MedGen C0950123, MeSH D030342.
Congenital anomalies of kidney and urinary tract 3. Identifiers: MedGen C4748921, MONDO:0032646, OMIM 618270.

Allele frequency attached by ClinVar (database versions not stated): gnomAD 0.00006; TOPMed 0.00006; ExAC 0.00007; ESP Exome Variant Server 0.00008; gnomAD exomes 0.00003.
gnomAD v4.1: 63 of 1,613,950 alleles (0.0039%); highest among the groups gnomAD compares: South Asian, 0.0077%; 1 homozygote.

Submissions (3):

Labcorp Genetics (formerly Invitae), Labcorp
Classification: Uncertain significance. Last evaluated: 2025-09-30. Review status: criteria provided, single submitter. Criteria: Invitae Variant Classification Sherloc (09022015). Collection method: clinical testing. Allele origin: germline.
Comment: This sequence change replaces threonine, which is neutral and polar, with methionine, which is neutral and non-polar, at codon 287 of the NRIP1 protein (p.Thr287Met). This variant is present in population databases (rs150993445, gnomAD 0.01%). This variant has not been reported in the literature in individuals affected with NRIP1-related conditions. ClinVar contains an entry for this variant (Variation ID: 2226213). An algorithm developed to predict the effect of missense changes on protein structure and function (PolyPhen-2) suggests that this variant is likely to be disruptive. In summary, the available evidence is currently insufficient to determine the role of this variant in disease. Therefore, it has been classified as a Variant of Uncertain Significance.

Fulgent Genetics
Classification: Uncertain significance for Congenital anomalies of kidney and urinary tract 3. Last evaluated: 2024-03-21. Review status: criteria provided, single submitter. Criteria: ACMG Guidelines, 2015. Collection method: clinical testing. Allele origin: germline.

Ambry Genetics
Classification: Uncertain significance for Inborn genetic diseases. Last evaluated: 2022-10-05. Review status: criteria provided, single submitter. Criteria: Ambry Variant Classification Scheme 2023. Collection method: clinical testing. Allele origin: germline.